The following is an entry in ClinVar:

NM_004863.4(SPTLC2):c.1032T>G (p.Asp344Glu)

Gene: SPTLC2 (serine palmitoyltransferase long chain base subunit 2; minus strand). Cytogenetic location: 14q24.3.
Variant type: single nucleotide variant.
Coding change: c.1032T>G on transcript NM_004863.4 (MANE Select); coding-DNA position 1032, T replaced by G.
Protein change: p.Asp344Glu; replaces aspartic acid 344 with glutamic acid.
Molecular consequence: missense variant.
Genome position (GRCh38, 1-based): chr14:77,555,444, A>C on the plus strand (T>G on the coding strand, the complement: SPTLC2 is on the minus strand). VCF-style: chr14-77555444-A-C. GRCh37 (hg19) VCF-style: chr14-78021787-A-C.
Other names: short protein forms D344E.
Identifiers: ClinVar variation 538850 (VCV000538850.10), dbSNP rs1555375334, ClinGen allele CA390708919.

ClinVar aggregate classification (germline): Uncertain significance. Review status: criteria provided, multiple submitters, no conflicts (2 of 4 stars). 3 submissions from 3 submitters: Uncertain significance (2). 1 of the submissions does not count toward it. Last evaluated 2020-08-13.

Conditions:
Neuropathy, hereditary sensory and autonomic, type 1C. Also called: HSAN IC; HSN IC. Identifiers: Orphanet 36386, MedGen C3150896, MONDO:0013337, OMIM 613640.
SPTLC2-related disorder. Also called: SPTLC2-related condition.

Submissions (3):

Blueprint Genetics
Classification: Uncertain significance. Last evaluated: 2020-08-13. Review status: criteria provided, single submitter. Criteria: ACMG Guidelines, 2015. Collection method: clinical testing. Allele origin: germline.

Labcorp Genetics (formerly Invitae), Labcorp
Classification: Uncertain significance for Neuropathy, hereditary sensory and autonomic, type 1C. Last evaluated: 2017-11-20. Review status: criteria provided, single submitter. Criteria: Invitae Variant Classification Sherloc (09022015). Collection method: clinical testing. Allele origin: germline.
Comment: In summary, the available evidence is currently insufficient to determine the role of this variant in disease. Therefore, it has been classified as a Variant of Uncertain Significance. Algorithms developed to predict the effect of missense changes on protein structure and function do not agree on the potential impact of this missense change (SIFT: "Tolerated"; PolyPhen-2: "Probably Damaging"; Align-GVGD: "Class C0"). This variant has not been reported in the literature in individuals with SPTLC2-related disease. This variant is not present in population databases (ExAC no frequency). This sequence change replaces aspartic acid with glutamic acid at codon 344 of the SPTLC2 protein (p.Asp344Glu). The aspartic acid residue is highly conserved and there is a small physicochemical difference between aspartic acid and glutamic acid.

PreventionGenetics, part of Exact Sciences
Classification: Uncertain significance for SPTLC2-related condition. Last evaluated: 2024-06-19. Review status: no assertion criteria provided. Collection method: clinical testing. Allele origin: germline. Not counted in ClinVar's aggregate classification.
Comment: The SPTLC2 c.1032T>G variant is predicted to result in the amino acid substitution p.Asp344Glu. To our knowledge, this variant has not been reported in the literature or in a large population database, indicating this variant is rare. At this time, the clinical significance of this variant is uncertain due to the absence of conclusive functional and genetic evidence.